The following is an entry in ClinVar:

ClinVar aggregate classification (germline): Uncertain significance. Review status: criteria provided, multiple submitters, no conflicts (2 of 4 stars). 6 submissions from 6 submitters: Uncertain significance (6). Last evaluated 2026-03-18.

Conditions:
ZNF469-related disorder. Also called: ZNF469-related condition.
Cardiovascular phenotype. Identifiers: MedGen CN230736.

Allele frequency attached by ClinVar (database versions not stated): TOPMed 0.00003; gnomAD 0.00004 and 0.00005; gnomAD exomes 0.00006.
gnomAD v4.1: 65 of 1,550,226 alleles (0.0042%); highest among the groups gnomAD compares: Middle Eastern, 0.33%; 1 homozygote.

Submissions (6):

PreventionGenetics, part of Exact Sciences
Classification: Uncertain significance for ZNF469-related condition. Last evaluated: 2026-03-18. Review status: criteria provided, single submitter. Criteria: ACMG Guidelines, 2015. Collection method: clinical testing. Allele origin: germline.
Comment: The ZNF469 c.11446C>T variant is predicted to result in the amino acid substitution p.Pro3816Ser. To our knowledge, this variant has not been reported in the literature. This variant is reported in 0.011% of alleles in individuals of European (Non-Finnish) descent in gnomAD. At this time, the clinical significance of this variant is uncertain due to the absence of conclusive functional and genetic evidence.

Ambry Genetics
Classification: Uncertain significance for Cardiovascular phenotype. Last evaluated: 2024-04-19. Review status: criteria provided, single submitter. Criteria: Ambry Variant Classification Scheme 2023. Collection method: clinical testing. Allele origin: germline.
Comment: The p.P3816S variant (also known as c.11446C>T), located in coding exon 2 of the ZNF469 gene, results from a C to T substitution at nucleotide position 11446. The proline at codon 3816 is replaced by serine, an amino acid with similar properties. This amino acid position is conserved. In addition, this alteration is predicted to be tolerated by in silico analysis. Since supporting evidence is limited at this time, the clinical significance of this alteration remains unclear.

Mayo Clinic Laboratories, Mayo Clinic
Classification: Uncertain significance. Last evaluated: 2023-02-28. Review status: criteria provided, single submitter. Criteria: ACMG Guidelines, 2015. Collection method: clinical testing. Allele origin: germline. Observed: 1 variant allele.
Comment: BP4

Labcorp Genetics (formerly Invitae), Labcorp
Classification: Uncertain significance. Last evaluated: 2022-10-13. Review status: criteria provided, single submitter. Criteria: Invitae Variant Classification Sherloc (09022015). Collection method: clinical testing. Allele origin: germline.
Comment: This sequence change replaces proline, which is neutral and non-polar, with serine, which is neutral and polar, at codon 3816 of the ZNF469 protein (p.Pro3816Ser). This variant is present in population databases (no rsID available, gnomAD 0.01%). This variant has not been reported in the literature in individuals affected with ZNF469-related conditions. ClinVar contains an entry for this variant (Variation ID: 1298675). Algorithms developed to predict the effect of missense changes on protein structure and function output the following: SIFT: "Tolerated"; PolyPhen-2: "Benign"; Align-GVGD: "Class C0". The serine amino acid residue is found in multiple mammalian species, which suggests that this missense change does not adversely affect protein function. In summary, the available evidence is currently insufficient to determine the role of this variant in disease. Therefore, it has been classified as a Variant of Uncertain Significance.

CeGaT Center for Human Genetics Tuebingen
Classification: Uncertain significance. Last evaluated: 2021-08-01. Review status: criteria provided, single submitter. Criteria: CeGaT Center For Human Genetics Tuebingen Variant Classification Criteria Version 2. Collection method: clinical testing. Allele origin: germline. Affected: yes. Observed: 1 variant allele.

Breakthrough Genomics
Classification: Uncertain significance. Review status: criteria provided, single submitter. Criteria: ACMG Guidelines, 2015. Collection method: not provided. Allele origin: germline. Inheritance: Autosomal recessive inheritance. Affected: yes.

NM_001367624.2(ZNF469):c.11530C>T (p.Pro3844Ser)

Gene: ZNF469 (zinc finger protein 469; plus strand). Cytogenetic location: 16q24.2.
Variant type: single nucleotide variant.
Coding change: c.11530C>T on transcript NM_001367624.2 (MANE Select); coding-DNA position 11530, C replaced by T.
Protein change: p.Pro3844Ser; replaces proline 3844 with serine.
Molecular consequence: missense variant.
Genome position (GRCh38, 1-based): chr16:88,439,000, C>T. VCF-style: chr16-88439000-C-T. GRCh37 (hg19) VCF-style: chr16-88505408-C-T.
Other names: NM_001127464.1:c.11446C>T; p.Pro3844Ser; NM_001127464.2:c.11446C>T; short protein forms P3844S.
Identifiers: ClinVar variation 1298675 (VCV001298675.42), dbSNP rs866162306, ClinGen allele CA286388168.